The following is an entry in ClinVar:

NM_022124.6(CDH23):c.9060dup (p.Ile3021fs)

Gene: CDH23 (cadherin related 23; plus strand). Cytogenetic location: 10q22.1.
Variant type: Duplication.
Coding change: c.9060dup on transcript NM_022124.6 (MANE Select); coding-DNA position 9060, one base duplicated (C; older notation c.9060dupC).
Protein change: p.Ile3021fs; shifts the reading frame from isoleucine 3021.
Molecular consequence: frameshift variant.
Genome position (GRCh38, 1-based): chr10:71,810,552, C duplicated. VCF-style (leftmost placement, unchanged base first): chr10-71810551-G-GC. GRCh37 (hg19) VCF-style: chr10-73570308-G-GC.
Other names: c.2340dup, p.Ile781fs (NM_001171933.1, NM_001171934.1); short protein forms I781fs, I3021fs.
Identifiers: ClinVar variation 3688266 (VCV003688266.2).

ClinVar aggregate classification (germline): Pathogenic (1 of 4 stars; one submission).

Submission:

Labcorp Genetics (formerly Invitae), Labcorp
Classification: Pathogenic. Last evaluated: 2024-02-08. Review status: criteria provided, single submitter. Criteria: Invitae Variant Classification Sherloc (09022015). Collection method: clinical testing. Allele origin: germline.
Comment: This sequence change creates a premature translational stop signal (p.Ile3021Hisfs*13) in the CDH23 gene. It is expected to result in an absent or disrupted protein product. Loss-of-function variants in CDH23 are known to be pathogenic (PMID: 11138009, 21940737). This variant is present in population databases (no rsID available, gnomAD 0.007%). This variant has not been reported in the literature in individuals affected with CDH23-related conditions. For these reasons, this variant has been classified as Pathogenic.

Literature cited by the submitters: PubMed 11138009; PubMed 21940737.